The following is an entry in ClinVar:

ClinVar aggregate classification (germline): Uncertain significance (1 of 4 stars; one submission).

Allele frequency attached by ClinVar (database versions not stated): gnomAD 0.00001; gnomAD exomes 0.00002; TOPMed 0.00002; ExAC 0.00008.

Submission:

Labcorp Genetics (formerly Invitae), Labcorp
Classification: Uncertain significance. Last evaluated: 2023-10-13. Review status: criteria provided, single submitter. Criteria: Invitae Variant Classification Sherloc (09022015). Collection method: clinical testing. Allele origin: germline.
Comment: This sequence change replaces arginine, which is basic and polar, with glutamine, which is neutral and polar, at codon 405 of the PDP1 protein (p.Arg405Gln). This variant is present in population databases (rs770342233, gnomAD 0.04%). This variant has not been reported in the literature in individuals affected with PDP1-related conditions. ClinVar contains an entry for this variant (Variation ID: 2055079). An algorithm developed to predict the effect of missense changes on protein structure and function (PolyPhen-2) suggests that this variant¬†is likely to be tolerated. In summary, the available evidence is currently insufficient to determine the role of this variant in disease. Therefore, it has been classified as a Variant of Uncertain Significance.

NM_018444.4(PDP1):c.1214G>A (p.Arg405Gln)

Gene: PDP1 (pyruvate dehydrogenase phosphatase catalytic subunit 1; plus strand). Cytogenetic location: 8q22.1.
Variant type: single nucleotide variant.
Coding change: c.1214G>A on transcript NM_018444.4 (MANE Select); coding-DNA position 1214, G replaced by A.
Protein change: p.Arg405Gln; replaces arginine 405 with glutamine.
Molecular consequence: missense variant.
Genome position (GRCh38, 1-based): chr8:93,923,273, G>A. VCF-style: chr8-93923273-G-A. GRCh37 (hg19) VCF-style: chr8-94935501-G-A.
Other names: c.1289G>A, p.Arg430Gln (NM_001161779.2, NM_001161780.2); c.1214G>A, p.Arg405Gln (NM_001161781.2); short protein forms R430Q, R405Q.
Identifiers: ClinVar variation 2055079 (VCV002055079.2), dbSNP rs770342233, ClinGen allele CA4808794.
Genomic context (GRCh38, chr8:93,923,273, plus strand): 5'-TTCCTCCTAATTATCACACACCTCCTTATCTCACTGCTGAGCCAGAGGTAACTTACCACC[G>A]ATTAAGGCCACAGGATAAGTTTCTGGTGTTGGCTACTGATGGGTTGTGGGAGACTATGCA-3'
Protein context (NP_060914.2, residues 395-415): LTAEPEVTYH[Arg405Gln]LRPQDKFLVL